The following is an entry in ClinVar:

NM_033004.4(NLRP1):c.3554C>A (p.Ala1185Asp)

Gene: NLRP1 (NLR family pyrin domain containing 1; minus strand). Cytogenetic location: 17p13.2.
Variant type: single nucleotide variant.
Coding change: c.3554C>A on transcript NM_033004.4 (MANE Select); coding-DNA position 3554, C replaced by A.
Protein change: p.Ala1185Asp; replaces alanine 1185 with aspartic acid.
Molecular consequence: missense variant.
Genome position (GRCh38, 1-based): chr17:5,521,753, G>T on the plus strand (C>A on the coding strand, the complement: NLRP1 is on the minus strand). VCF-style: chr17-5521753-G-T. GRCh37 (hg19) VCF-style: chr17-5425073-G-T.
Other names: c.3566C>A, p.Ala1189Asp (NM_001033053.3); c.3554C>A, p.Ala1185Asp (NM_014922.5); c.3464C>A, p.Ala1155Asp (NM_033006.4, NM_033007.4); c.3554C>A (NM_033004.3); short protein forms A1185D, A1155D, A1189D.
Identifiers: ClinVar variation 1355146 (VCV001355146.9), dbSNP rs1474111916, ClinGen allele CA397389437.
Genomic context (GRCh38, chr17:5,521,753, plus strand): 5'-ATGTGATGCAGCTCCACCCTGGCTGGCTTCTCCAGGAGCATCCCCTCCTCTTTAAAGTGG[G>T]CCATTTGGAACAGGGATGTGTCCACATGGCCCCCTGTAAAAGAATGGATTGAAGAGGCAC-3'
Protein context (NP_127497.1, residues 1175-1195): GHVDTSLFQM[Ala1185Asp]HFKEEGMLLE

ClinVar aggregate classification (germline): Uncertain significance. Review status: criteria provided, multiple submitters, no conflicts (2 of 4 stars). 2 submissions from 2 submitters: Uncertain significance (2). Last evaluated 2025-11-03.

Conditions:
Inborn genetic diseases. Identifiers: MedGen C0950123, MeSH D030342.

Allele frequency attached by ClinVar (database versions not stated): gnomAD exomes below 0.00001; TOPMed below 0.00001; gnomAD 0.00001.
gnomAD v4.1: 3 of 1,612,090 alleles (0.00019%); highest among the groups gnomAD compares: Non-Finnish European, 0.00025%; no homozygotes.

Submissions (2):

Labcorp Genetics (formerly Invitae), Labcorp
Classification: Uncertain significance. Last evaluated: 2025-11-03. Review status: criteria provided, single submitter. Criteria: Invitae Variant Classification Sherloc (09022015). Collection method: clinical testing. Allele origin: germline.
Comment: This sequence change replaces alanine, which is neutral and non-polar, with aspartic acid, which is acidic and polar, at codon 1185 of the NLRP1 protein (p.Ala1185Asp). This variant is present in population databases (no rsID available, gnomAD 0.01%). This variant has not been reported in the literature in individuals affected with NLRP1-related conditions. ClinVar contains an entry for this variant (Variation ID: 1355146). An algorithm developed to predict the effect of missense changes on protein structure and function (PolyPhen-2) suggests that this variant is likely to be disruptive. In summary, the available evidence is currently insufficient to determine the role of this variant in disease. Therefore, it has been classified as a Variant of Uncertain Significance.

Ambry Genetics
Classification: Uncertain significance for Inborn genetic diseases. Last evaluated: 2024-08-07. Review status: criteria provided, single submitter. Criteria: Ambry Variant Classification Scheme 2023. Collection method: clinical testing. Allele origin: germline.